The following is an entry in ClinVar:

Conditions:
Arteriohepatic dysplasia. Also called: Alagille Syndrome. Identifiers: Orphanet 52, MedGen C0085280, MeSH D016738, MONDO:0007318.

Submission:

Gilbert/Spinner Lab, Children's Hospital of Philadelphia
No classification provided (evidence only). Condition: Alagille syndrome. Review status: no classification provided. Collection method: research. Allele origin: not applicable. Functional consequence: functionally_abnormal.
ClinVar note: "not provided" was previously submitted as the classification for the variant. However, the classification appeared to be based only on an observation of functional data so it was converted to no classification on 2025-07-30.

NM_000214.3(JAG1):c.917G>T (p.Cys306Phe)

Gene: JAG1 (jagged canonical Notch ligand 1; minus strand). Cytogenetic location: 20p12.2.
Variant type: single nucleotide variant.
Coding change: c.917G>T on transcript NM_000214.3 (MANE Select); coding-DNA position 917, G replaced by T.
Protein change: p.Cys306Phe; replaces cysteine 306 with phenylalanine.
Molecular consequence: missense variant.
Genome position (GRCh38, 1-based): chr20:10,652,220, C>A on the plus strand (G>T on the coding strand, the complement: JAG1 is on the minus strand). VCF-style: chr20-10652220-C-A. GRCh37 (hg19) VCF-style: chr20-10632868-C-A.
Other names: short protein forms C306F.
Identifiers: ClinVar variation 3573183 (VCV003573183.2).
Genomic context (GRCh38, chr20:10,652,220, plus strand): 5'-TCAGGGCAGGAACACTGATATTTGTCAGGGCCTGTGTTGCTACAAGTTCCCCCGTTGAGA[C>A]ACGGCTGATGAGTCCCACAGTAATTGAGATCTGCCAAAAAGATCCTGGAGTCACTAAGAG-3'
Protein context (NP_000205.1, residues 296-316): DLNYCGTHQP[Cys306Phe]LNGGTCSNTG